The following is an entry in ClinVar:

ClinVar aggregate classification (germline): Uncertain significance. Review status: criteria provided, multiple submitters, no conflicts (2 of 4 stars). 4 submissions from 4 submitters: Uncertain significance (3). 1 of the submissions does not count toward it. Last evaluated 2021-12-16.

Conditions:
Hereditary cancer-predisposing syndrome. Also called: Tumor predisposition; Neoplastic Syndromes, Hereditary; Hereditary neoplastic syndrome; Hereditary Cancer Syndrome. Identifiers: Orphanet 140162, MedGen C0027672, MeSH D009386, MONDO:0015356.
Hereditary breast ovarian cancer syndrome. Also called: Hereditary breast and ovarian cancer; Hereditary breast and ovarian cancer syndrome (HBOC); Hereditary breast and/or ovarian cancer syndrome; Breast and ovarian cancer; Hereditary breast and ovarian cancer syndrome; BRCA1- and BRCA2-Associated Hereditary Breast and Ovarian Cancer. Identifiers: Orphanet 145, MedGen C0677776, MeSH D061325, MONDO:0003582. Disease mechanism: loss of function.
Breast-ovarian cancer, familial, susceptibility to, 2 (BROVCA2). Also called: BRCA2 Hereditary Breast and Ovarian Cancer. Identifiers: Orphanet 145, MedGen C2675520, MONDO:0012933, OMIM 612555. Disease mechanism: loss of function.

Submissions (4):

Women's Health and Genetics/Laboratory Corporation of America, LabCorp
Classification: Uncertain significance. Last evaluated: 2021-12-16. Review status: criteria provided, single submitter. Criteria: LabCorp Variant Classification Summary - May 2015. Collection method: clinical testing. Allele origin: germline.

Sema4
Classification: Uncertain significance for Hereditary cancer-predisposing syndrome. Last evaluated: 2021-06-20. Review status: criteria provided, single submitter. Criteria: Sema4 Curation Guidelines. Collection method: curation. Allele origin: germline.
Comment: The BRCA2 c.348T>G (p.S116R) variant has not been reported in the literature to our knowledge. It was not observed in the large and broad cohorts of the Genome Aggregation Database. The variant has been reported in ClinVar (Variation ID 37843). In silico tools suggest the impact of the variant on protein function is inconclusive, though these predictions have not been confirmed by functional studies. The evidence is insufficient to meet ACMG/AMP criteria for classifying the variant as benign or pathogenic. Thus, the clinical significance of this variant is currently uncertain.

Labcorp Genetics (formerly Invitae), Labcorp
Classification: Uncertain significance for Hereditary breast ovarian cancer syndrome. Last evaluated: 2019-07-24. Review status: criteria provided, single submitter. Criteria: Invitae Variant Classification Sherloc (09022015). Collection method: clinical testing. Allele origin: germline.
Comment: Algorithms developed to predict the effect of missense changes on protein structure and function are either unavailable or do not agree on the potential impact of this missense change (SIFT: "Tolerated"; PolyPhen-2: "Probably Damaging"; Align-GVGD: "Class C0"). In summary, the available evidence is currently insufficient to determine the role of this variant in disease. Therefore, it has been classified as a Variant of Uncertain Significance. This variant has not been reported in the literature in individuals with BRCA2-related conditions. ClinVar contains an entry for this variant (Variation ID: 37843). This sequence change replaces serine with arginine at codon 116 of the BRCA2 protein (p.Ser116Arg). The serine residue is moderately conserved and there is a moderate physicochemical difference between serine and arginine. This variant is not present in population databases (ExAC no frequency).

Sharing Clinical Reports Project (SCRP)
Classification: Uncertain significance for Breast-ovarian cancer, familial 2. Last evaluated: 2009-06-26. Review status: no assertion criteria provided. Collection method: clinical testing. Allele origin: germline. Not counted in ClinVar's aggregate classification.

NM_000059.4(BRCA2):c.348T>G (p.Ser116Arg)

Gene: BRCA2 (BRCA2 DNA repair associated; plus strand). Cytogenetic location: 13q13.1.
Variant type: single nucleotide variant.
Coding change: c.348T>G on transcript NM_000059.4 (MANE Select); coding-DNA position 348, T replaced by G.
Protein change: p.Ser116Arg; replaces serine 116 with arginine.
Molecular consequence: missense variant.
Genome position (GRCh38, 1-based): chr13:32,325,107, T>G. VCF-style: chr13-32325107-T-G. GRCh37 (hg19) VCF-style: chr13-32899244-T-G.
Other names: S116R; 576T>G.
Identifiers: ClinVar variation 37843 (VCV000037843.14), dbSNP rs397507309, ClinGen allele CA018162.